The following is an entry in ClinVar:

NM_006389.5(HYOU1):c.2702A>G (p.Glu901Gly)

Gene: HYOU1 (hypoxia up-regulated 1; minus strand). Cytogenetic location: 11q23.3.
Variant type: single nucleotide variant.
Coding change: c.2702A>G on transcript NM_006389.5 (MANE Select); coding-DNA position 2702, A replaced by G.
Protein change: p.Glu901Gly; replaces glutamic acid 901 with glycine.
Molecular consequence: missense variant.
Genome position (GRCh38, 1-based): chr11:119,046,696, T>C on the plus strand (A>G on the coding strand, the complement: HYOU1 is on the minus strand). VCF-style: chr11-119046696-T-C. GRCh37 (hg19) VCF-style: chr11-118917408-T-C.
Other names: c.2702A>G, p.Glu901Gly (NM_001130991.3, NM_001411041.1); short protein forms E901G.
Identifiers: ClinVar variation 4767625 (VCV004767625.1).
Genomic context (GRCh38, chr11:119,046,696, plus strand): 5'-TTGTCCTTAGGCCGGGGCCGGGGCTTGGTAAACTTGGCCTTATTGAGCAGATACTGCACC[T>C]CTCGGTCCAGGGCCATCATCTTAGCTTCAATGTCTTTTGAGAGCAACACAGGCTTCTCTG-3'
Protein context (NP_006380.1, residues 891-911): IEAKMMALDR[Glu901Gly]VQYLLNKAKF

ClinVar aggregate classification (germline): Uncertain significance (1 of 4 stars; one submission).

Submission:

Labcorp Genetics (formerly Invitae), Labcorp
Classification: Uncertain significance. Last evaluated: 2026-01-07. Review status: criteria provided, single submitter. Criteria: Invitae Variant Classification Sherloc (09022015). Collection method: clinical testing. Allele origin: germline.
Comment: This sequence change replaces glutamic acid, which is acidic and polar, with glycine, which is neutral and non-polar, at codon 901 of the HYOU1 protein (p.Glu901Gly). This variant is not present in population databases (gnomAD no frequency). This variant has not been reported in the literature in individuals affected with HYOU1-related conditions. An algorithm developed to predict the effect of missense changes on protein structure and function (PolyPhen-2) suggests that this variant is likely to be disruptive. In summary, the available evidence is currently insufficient to determine the role of this variant in disease. Therefore, it has been classified as a Variant of Uncertain Significance.